The following is an entry in ClinVar:

ClinVar aggregate classification (germline): Uncertain significance (1 of 4 stars; one submission).

Conditions:
Retinitis pigmentosa 14 (RP14). Also called: RETINITIS PIGMENTOSA, JUVENILE, TULP1-RELATED. Identifiers: Orphanet 791, MedGen C1838603, MONDO:0010827, OMIM 600132.

gnomAD v4.1: 1 of 1,613,278 alleles (0.000062%); highest among the groups gnomAD compares: Non-Finnish European, 0.000085%; no homozygotes.

Submission:

CGC Genetics, Unilabs
Classification: Uncertain significance for Retinitis pigmentosa 14. Last evaluated: 2025-01-31. Review status: criteria provided, single submitter. Criteria: ACMG Guidelines, 2015. Collection method: clinical testing. Allele origin: unknown. Inheritance: Autosomal recessive inheritance. Affected: yes. Observed: 1 variant allele.
Comment: In addition, bioinformatic analysis, which also integrates residue conservation data, predicts that it has a deleterious effect. With the information currently available, it should be classified as a variant of unknown clinical significance. ACMG codes: PM2_supporting; PP3_moderate; PP2.

NM_003322.6(TULP1):c.1598C>T (p.Ser533Phe)

Gene: TULP1 (TUB like protein 1; minus strand). Cytogenetic location: 6p21.31.
Variant type: single nucleotide variant.
Coding change: c.1598C>T on transcript NM_003322.6 (MANE Select); coding-DNA position 1598, C replaced by T.
Protein change: p.Ser533Phe; replaces serine 533 with phenylalanine.
Molecular consequence: missense variant.
Genome position (GRCh38, 1-based): chr6:35,498,358, G>A on the plus strand (C>T on the coding strand, the complement: TULP1 is on the minus strand). VCF-style: chr6-35498358-G-A. GRCh37 (hg19) VCF-style: chr6-35466135-G-A.
Other names: c.1439C>T, p.Ser480Phe (NM_001289395.2); short protein forms S480F, S533F.
Identifiers: ClinVar variation 3765557 (VCV003765557.1).